The following is an entry in ClinVar:

ClinVar aggregate classification (germline): Uncertain significance (1 of 4 stars; one submission).

Conditions:
KIF1A-related disorder. Also called: KIF1A-related disorders; KIF1A-related condition.

Submission:

PreventionGenetics, part of Exact Sciences
Classification: Uncertain significance for KIF1A-related condition. Last evaluated: 2024-10-31. Review status: criteria provided, single submitter. Criteria: ACMG Guidelines, 2015. Collection method: clinical testing. Allele origin: germline.
Comment: The KIF1A c.2204T>C variant is predicted to result in the amino acid substitution p.Leu735Pro. To our knowledge, this variant has not been reported in the literature or in a large population database (gnomAD), indicating this variant is rare. At this time, the clinical significance of this variant is uncertain due to the absence of conclusive functional and genetic evidence.

NM_001244008.2(KIF1A):c.2204T>C (p.Leu735Pro)

Gene: KIF1A (kinesin family member 1A; minus strand). Cytogenetic location: 2q37.3.
Variant type: single nucleotide variant.
Coding change: c.2204T>C on transcript NM_001244008.2 (MANE Select); coding-DNA position 2204, T replaced by C.
Protein change: p.Leu735Pro; replaces leucine 735 with proline.
Molecular consequence: missense variant.
Genome position (GRCh38, 1-based): chr2:240,761,290, A>G on the plus strand (T>C on the coding strand, the complement: KIF1A is on the minus strand). VCF-style: chr2-240761290-A-G. GRCh37 (hg19) VCF-style: chr2-241700707-A-G.
Other names: c.2204T>C, p.Leu735Pro (NM_001320705.2, NM_001330289.2, NM_001379638.1); c.2279T>C, p.Leu760Pro (NM_001330290.2, NM_001379631.1, NM_001379634.1 and 2 more transcripts); c.2177T>C, p.Leu726Pro (NM_001379632.1, NM_001379633.1, NM_001379636.1 and 10 more transcripts); c.2252T>C, p.Leu751Pro (NM_001379637.1, NM_001379648.1); short protein forms L726P, L735P, L751P, L760P.
Identifiers: ClinVar variation 5000412 (VCV005000412.1).